The following is an entry in ClinVar:

NM_014363.6(SACS):c.10821C>A (p.Ile3607=)

Gene: SACS (sacsin molecular chaperone; minus strand). Cytogenetic location: 13q12.12.
Variant type: single nucleotide variant.
Coding change: c.10821C>A on transcript NM_014363.6 (MANE Select); coding-DNA position 10821, C replaced by A.
Protein change: p.Ile3607=; no amino-acid change (isoleucine 3607 retained).
Molecular consequence: synonymous variant.
Genome position (GRCh38, 1-based): chr13:23,333,055, G>T on the plus strand (C>A on the coding strand, the complement: SACS is on the minus strand). VCF-style: chr13-23333055-G-T. GRCh37 (hg19) VCF-style: chr13-23907194-G-T.
Other names: p.Ile3607=; c.10380C>A, p.Ile3460= (NM_001278055.2).
Identifiers: ClinVar variation 240892 (VCV000240892.25), dbSNP rs113595574, ClinGen allele CA6910385.

ClinVar aggregate classification (germline): Conflicting classifications of pathogenicity. Review status: criteria provided, conflicting classifications (1 of 4 stars). 10 submissions from 10 submitters: Uncertain significance (1); Benign (6); Likely benign (2). 1 of the submissions does not count toward it. Last evaluated 2026-01-26.

Conditions:
SACS-related disorder. Also called: SACS-related condition.
Spastic paraplegia. Identifiers: MedGen C0037772, HP:0001258.
Hereditary spastic paraplegia. Also called: Familial spastic paraparesis. Identifiers: Orphanet 685, MedGen C0037773, MONDO:0019064. Disease mechanism: loss of function.
Charlevoix-Saguenay spastic ataxia (SACS). Also called: AUTOSOMAL RECESSIVE SPASTIC ATAXIA OF CHARLEVOIX-SAGUENAY; Spastic ataxia of Charlevoix-Saguenay; SPASTIC ATAXIA 6, AUTOSOMAL RECESSIVE. Identifiers: Orphanet 98, MedGen C1849140, MONDO:0010041, OMIM 270550.

Allele frequency attached by ClinVar (database versions not stated): gnomAD exomes 0.00035 and 0.00097; ExAC 0.00115; 1000 Genomes Project 0.00399; 1000 Genomes Project 30x 0.00406; gnomAD 0.00415 and 0.00447; ESP Exome Variant Server 0.00438; TOPMed 0.00474.
gnomAD v4.1: 1,147 of 1,613,906 alleles (0.071%); highest among the groups gnomAD compares: African/African-American, 1.4%; 6 homozygotes.

Submissions (10):

Labcorp Genetics (formerly Invitae), Labcorp
Classification: Benign for Spastic paraplegia. Last evaluated: 2026-01-26. Review status: criteria provided, single submitter. Criteria: Invitae Variant Classification Sherloc (09022015). Collection method: clinical testing. Allele origin: germline.

PreventionGenetics, part of Exact Sciences
Classification: Benign for SACS-related condition. Last evaluated: 2025-12-19. Review status: criteria provided, single submitter. Criteria: ACMG Guidelines, 2015. Collection method: clinical testing. Allele origin: germline.
Comment: This variant is classified as benign based on ACMG/AMP sequence variant interpretation guidelines (Richards et al. 2015 PMID: 25741868, with internal and published modifications).

Blueprint Genetics
Classification: Likely benign. Last evaluated: 2024-10-23. Review status: criteria provided, single submitter. Criteria: ACMG Guidelines, 2015. Collection method: clinical testing. Allele origin: germline.

Mayo Clinic Laboratories, Mayo Clinic
Classification: Benign. Last evaluated: 2023-11-01. Review status: criteria provided, single submitter. Criteria: ACMG Guidelines, 2015. Collection method: clinical testing. Allele origin: germline. Observed: 4 variant alleles.

Genome-Nilou Lab
Classification: Benign for Charlevoix-Saguenay spastic ataxia. Last evaluated: 2021-09-05. Review status: criteria provided, single submitter. Criteria: ACMG Guidelines, 2015. Collection method: clinical testing. Allele origin: germline. Affected: no.

Genome Diagnostics Laboratory, The Hospital for Sick Children
Classification: Likely benign for Hereditary spastic paraplegia. Last evaluated: 2021-06-14. Review status: criteria provided, single submitter. Criteria: ACMG Guidelines, 2015. Collection method: clinical testing. Allele origin: germline. Affected: yes.

GeneDx
Classification: Benign. Last evaluated: 2020-12-07. Review status: criteria provided, single submitter. Criteria: GeneDx Variant Classification Process June 2021. Collection method: clinical testing. Allele origin: germline. Affected: yes.

Illumina Laboratory Services, Illumina
Classification: Uncertain significance for Charlevoix-Saguenay spastic ataxia. Last evaluated: 2018-01-13. Review status: criteria provided, single submitter. Criteria: ICSL Variant Classification Criteria 13 December 2019. Collection method: clinical testing. Allele origin: germline.

Athena Diagnostics
Classification: Benign. Last evaluated: 2016-09-09. Review status: criteria provided, single submitter. Criteria: Athena Diagnostics Criteria. Collection method: clinical testing. Allele origin: germline.

Natera, Inc.
Classification: Benign for Charlevoix-Saguenay type spastic ataxia. Last evaluated: 2020-09-16. Review status: no assertion criteria provided. Collection method: clinical testing. Allele origin: germline. Not counted in ClinVar's aggregate classification.